The following is an entry in ClinVar:

NM_000094.4(COL7A1):c.913G>A (p.Val305Met)

Gene: COL7A1 (collagen type VII alpha 1 chain; minus strand). Cytogenetic location: 3p21.31.
Variant type: single nucleotide variant.
Coding change: c.913G>A on transcript NM_000094.4 (MANE Select); coding-DNA position 913, G replaced by A.
Protein change: p.Val305Met; replaces valine 305 with methionine.
Molecular consequence: missense variant.
Genome position (GRCh38, 1-based): chr3:48,592,633, C>T on the plus strand (G>A on the coding strand, the complement: COL7A1 is on the minus strand). VCF-style: chr3-48592633-C-T. GRCh37 (hg19) VCF-style: chr3-48630066-C-T.
Other names: short protein forms V305M.
Identifiers: ClinVar variation 2070561 (VCV002070561.4), dbSNP rs2531332168, ClinGen allele CA352739956.
Genomic context (GRCh38, chr3:48,592,633, plus strand): 5'-TCCGAGCTGTCCCGCTCACAGCCTCCCCGATGCTGTTGGCGTAGAGGGCAATCACAGTCA[C>T]TTGGTACTCGGTCAGTGGCCGGAGACCCCGCAGCCGCACACTGGTCTCACCAGCTGGGAC-3'
Protein context (NP_000085.1, residues 295-315): RGLRPLTEYQ[Val305Met]TVIALYANSI

ClinVar aggregate classification (germline): Uncertain significance (1 of 4 stars; one submission).

Submission:

Labcorp Genetics (formerly Invitae), Labcorp
Classification: Uncertain significance. Last evaluated: 2023-10-13. Review status: criteria provided, single submitter. Criteria: Invitae Variant Classification Sherloc (09022015). Collection method: clinical testing. Allele origin: germline.
Comment: This sequence change replaces valine, which is neutral and non-polar, with methionine, which is neutral and non-polar, at codon 305 of the COL7A1 protein (p.Val305Met). This variant is not present in population databases (gnomAD no frequency). This variant has not been reported in the literature in individuals affected with COL7A1-related conditions. ClinVar contains an entry for this variant (Variation ID: 2070561). Advanced modeling of protein sequence and biophysical properties (such as structural, functional, and spatial information, amino acid conservation, physicochemical variation, residue mobility, and thermodynamic stability) performed at Invitae indicates that this missense variant is not expected to disrupt COL7A1 protein function. In summary, the available evidence is currently insufficient to determine the role of this variant in disease. Therefore, it has been classified as a Variant of Uncertain Significance.